The following is an entry in ClinVar:

NM_004699.4(FAM50A):c.796G>A (p.Asp266Asn)

Gene: FAM50A (family with sequence similarity 50 member A; plus strand). Cytogenetic location: Xq28.
Variant type: single nucleotide variant.
Coding change: c.796G>A on transcript NM_004699.4 (MANE Select); coding-DNA position 796, G replaced by A.
Protein change: p.Asp266Asn; replaces aspartic acid 266 with asparagine.
Molecular consequence: missense variant.
Genome position (GRCh38, 1-based): chrX:154,449,898, G>A. VCF-style: chrX-154449898-G-A. GRCh37 (hg19) VCF-style: chrX-153678246-G-A.
Other names: short protein forms D266N.
Identifiers: ClinVar variation 5020735 (VCV005020735.1).

ClinVar aggregate classification (germline): Uncertain significance (1 of 4 stars; one submission).

gnomAD v4.1: 3 of 1,211,370 alleles (0.00025%); highest among the groups gnomAD compares: African/African-American, 0.0017%; no homozygotes.

Submission:

Dasa
Classification: Uncertain significance. Last evaluated: 2026-01-13. Review status: criteria provided, single submitter. Criteria: DASA Assertion Criteria. Collection method: clinical testing. Allele origin: germline.
Comment: NM_004699.4(FAM50A):c.796G>A (p.Asp266Asn) is a missense variant that results in the substitution of aspartic acid with asparagine. This variant is rare in population databases. Computational prediction algorithms are consistent with a deleterious effect. The currently available literature and clinical evidence are not sufficient to establish a definitive association between this variant and the reported condition. Therefore, this variant is classified as a variant of uncertain significance.